The following is an entry in ClinVar:

NM_001145715.3(KPNA7):c.67-3T>C

Gene: KPNA7 (karyopherin subunit alpha 7; minus strand). Cytogenetic location: 7q22.1.
Variant type: single nucleotide variant.
Coding change: c.67-3T>C on transcript NM_001145715.3 (MANE Select); 3 bases into the intron before coding-DNA position 67, T replaced by C.
Molecular consequence: intron variant.
Genome position (GRCh38, 1-based): chr7:99,203,243, A>G on the plus strand (T>C on the coding strand, the complement: KPNA7 is on the minus strand). VCF-style: chr7-99203243-A-G. GRCh37 (hg19) VCF-style: chr7-98800866-A-G.
Identifiers: ClinVar variation 842926 (VCV000842926.7), dbSNP rs1401071492, ClinGen allele CA4363301.

ClinVar aggregate classification (germline): Uncertain significance (1 of 4 stars; one submission).

Allele frequency attached by ClinVar (database versions not stated): gnomAD exomes below 0.00001 and 0.00001; gnomAD 0.00004 and 0.00005; TOPMed 0.00004; ExAC 0.00005.
gnomAD v4.1: 13 of 1,549,454 alleles (0.00084%); highest among the groups gnomAD compares: African/African-American, 0.014%; no homozygotes.

Submission:

Labcorp Genetics (formerly Invitae), Labcorp
Classification: Uncertain significance. Last evaluated: 2021-09-02. Review status: criteria provided, single submitter. Criteria: Invitae Variant Classification Sherloc (09022015). Collection method: clinical testing. Allele origin: germline.
Comment: This sequence change falls in intron 1 of the KPNA7 gene. It does not directly change the encoded amino acid sequence of the KPNA7 protein. It affects a nucleotide within the consensus splice site of the intron. This variant is present in population databases (no rsID available, ExAC 0.05%). This variant has not been reported in the literature in individuals affected with KPNA7-related conditions. Variants that disrupt the consensus splice site are a relatively common cause of aberrant splicing (PMID: 17576681, 9536098). Algorithms developed to predict the effect of sequence changes on RNA splicing suggest that this variant is not likely to affect RNA splicing. In summary, the available evidence is currently insufficient to determine the role of this variant in disease. Therefore, it has been classified as a Variant of Uncertain Significance.

Literature cited by the submitters: PubMed 17576681; PubMed 9536098.